The following is an entry in ClinVar:

NM_024642.5(GALNT12):c.500T>G (p.Leu167Arg)

Gene: GALNT12 (polypeptide N-acetylgalactosaminyltransferase 12; plus strand). Cytogenetic location: 9q22.33.
Variant type: single nucleotide variant.
Coding change: c.500T>G on transcript NM_024642.5 (MANE Select); coding-DNA position 500, T replaced by G.
Protein change: p.Leu167Arg; replaces leucine 167 with arginine.
Molecular consequence: missense variant.
Genome position (GRCh38, 1-based): chr9:98,823,384, T>G. VCF-style: chr9-98823384-T-G. GRCh37 (hg19) VCF-style: chr9-101585666-T-G.
Other names: short protein forms L167R.
Identifiers: ClinVar variation 4261483 (VCV004261483.1).

ClinVar aggregate classification (germline): Uncertain significance (1 of 4 stars; one submission).

Submission:

Ambry Genetics
Classification: Uncertain significance. Last evaluated: 2025-06-27. Review status: criteria provided, single submitter. Criteria: Ambry Variant Classification Scheme 2023. Collection method: clinical testing. Allele origin: germline.
Comment: The p.L167R variant (also known as c.500T>G), located in coding exon 2 of the GALNT12 gene, results from a T to G substitution at nucleotide position 500. The leucine at codon 167 is replaced by arginine, an amino acid with dissimilar properties. This amino acid position is conserved. In addition, this alteration is predicted to be deleterious by in silico analysis. Based on the available evidence, the clinical significance of this variant remains unclear.